The following is an entry in ClinVar:

NM_005208.5(CRYBA1):c.74C>T (p.Pro25Leu)

Gene: CRYBA1 (crystallin beta A1; plus strand). Cytogenetic location: 17q11.2.
Variant type: single nucleotide variant.
Coding change: c.74C>T on transcript NM_005208.5 (MANE Select); coding-DNA position 74, C replaced by T.
Protein change: p.Pro25Leu; replaces proline 25 with leucine.
Molecular consequence: missense variant.
Genome position (GRCh38, 1-based): chr17:29,249,184, C>T. VCF-style: chr17-29249184-C-T. GRCh37 (hg19) VCF-style: chr17-27576202-C-T.
Other names: short protein forms P25L.
Identifiers: ClinVar variation 259673 (VCV000259673.18), dbSNP rs142631461, ClinGen allele CA8473653.

ClinVar aggregate classification (germline): Benign/Likely benign. Review status: criteria provided, multiple submitters, no conflicts (2 of 4 stars). 4 submissions from 4 submitters: Benign (2); Likely benign (2). Last evaluated 2026-01-19.

Conditions:
Cataract 10 multiple types. Also called: CATARACT 10, CONGENITAL ZONULAR, WITH SUTURAL OPACITIES. Identifiers: Orphanet 91492, MedGen C1833229, MONDO:0010948, OMIM 600881.

Allele frequency attached by ClinVar (database versions not stated): 1000 Genomes Project 30x 0.00640; 1000 Genomes Project 0.00679; gnomAD exomes 0.01721 and 0.02670; ExAC 0.01723; TOPMed 0.01771; gnomAD 0.01861 and 0.01935; ESP Exome Variant Server 0.02014.
gnomAD v4.1: 41,672 of 1,612,402 alleles (2.6%); highest among the groups gnomAD compares: Non-Finnish European, 3.1%; 651 homozygotes.

Submissions (4):

Labcorp Genetics (formerly Invitae), Labcorp
Classification: Benign for Cataract 10 multiple types. Last evaluated: 2026-01-19. Review status: criteria provided, single submitter. Criteria: Invitae Variant Classification Sherloc (09022015). Collection method: clinical testing. Allele origin: germline.

GeneDx
Classification: Likely benign. Last evaluated: 2024-12-03. Review status: criteria provided, single submitter. Criteria: GeneDx Variant Classification Process June 2021. Collection method: clinical testing. Allele origin: germline. Affected: yes.
Comment: See Variant Classification Assertion Criteria.

Breakthrough Genomics
Classification: Likely benign. Review status: criteria provided, single submitter. Criteria: ACMG Guidelines, 2015. Collection method: not provided. Allele origin: germline. Inheritance: Autosomal dominant inheritance. Affected: yes.

PreventionGenetics, part of Exact Sciences
Classification: Benign. Review status: criteria provided, single submitter. Criteria: ACMG Guidelines, 2015. Collection method: clinical testing. Allele origin: germline.